The following is an entry in ClinVar:

NM_005204.4(MAP3K8):c.562G>C (p.Glu188Gln)

Gene: MAP3K8 (mitogen-activated protein kinase kinase kinase 8; plus strand). Cytogenetic location: 10p11.23.
Variant type: single nucleotide variant.
Coding change: c.562G>C on transcript NM_005204.4 (MANE Select); coding-DNA position 562, G replaced by C.
Protein change: p.Glu188Gln; replaces glutamic acid 188 with glutamine.
Molecular consequence: missense variant.
Genome position (GRCh38, 1-based): chr10:30,450,315, G>C. VCF-style: chr10-30450315-G-C. GRCh37 (hg19) VCF-style: chr10-30739244-G-C.
Other names: c.562G>C, p.Glu188Gln (NM_001320961.2, NM_001244134.1); short protein forms E188Q.
Identifiers: ClinVar variation 3701671 (VCV003701671.2).
Genomic context (GRCh38, chr10:30,450,315, plus strand): 5'-TAGATCCCAGTAGATCAATTTAAGCCATCTGATGTGGAAATCCAGGCTTGCTTCCGGCAC[G>C]AGAACATCGCAGAGCTGTATGGCGCAGTCCTGTGGGGTGAAACTGTCCATCTCTTTATGG-3'
Protein context (NP_005195.2, residues 178-198): DVEIQACFRH[Glu188Gln]NIAELYGAVL

ClinVar aggregate classification (germline): Uncertain significance (1 of 4 stars; one submission).

Submission:

Labcorp Genetics (formerly Invitae), Labcorp
Classification: Uncertain significance. Last evaluated: 2024-09-29. Review status: criteria provided, single submitter. Criteria: Invitae Variant Classification Sherloc (09022015). Collection method: clinical testing. Allele origin: germline.
Comment: This sequence change replaces glutamic acid, which is acidic and polar, with glutamine, which is neutral and polar, at codon 188 of the MAP3K8 protein (p.Glu188Gln). This variant is not present in population databases (gnomAD no frequency). This variant has not been reported in the literature in individuals affected with MAP3K8-related conditions. An algorithm developed to predict the effect of missense changes on protein structure and function (PolyPhen-2) suggests that this variant is likely to be disruptive. In summary, the available evidence is currently insufficient to determine the role of this variant in disease. Therefore, it has been classified as a Variant of Uncertain Significance.